The following is an entry in ClinVar:

NM_001365999.1(SZT2):c.5268C>G (p.Phe1756Leu)

Gene: SZT2 (SZT2 subunit of KICSTOR complex; plus strand). Cytogenetic location: 1p34.2.
Variant type: single nucleotide variant.
Coding change: c.5268C>G on transcript NM_001365999.1 (MANE Select); coding-DNA position 5268, C replaced by G.
Protein change: p.Phe1756Leu; replaces phenylalanine 1756 with leucine.
Molecular consequence: missense variant.
Genome position (GRCh38, 1-based): chr1:43,431,895, C>G. VCF-style: chr1-43431895-C-G. GRCh37 (hg19) VCF-style: chr1-43897566-C-G.
Other names: c.5097C>G, p.Phe1699Leu (NM_015284.4); short protein forms F1756L, F1699L.
Identifiers: ClinVar variation 1036222 (VCV001036222.8), dbSNP rs1570674607, ClinGen allele CA340023760.

ClinVar aggregate classification (germline): Uncertain significance (1 of 4 stars; one submission).

Allele frequency attached by ClinVar (database versions not stated): TOPMed below 0.00001.

Submission:

Labcorp Genetics (formerly Invitae), Labcorp
Classification: Uncertain significance. Last evaluated: 2020-10-08. Review status: criteria provided, single submitter. Criteria: Invitae Variant Classification Sherloc (09022015). Collection method: clinical testing. Allele origin: germline.
Comment: In summary, the available evidence is currently insufficient to determine the role of this variant in disease. Therefore, it has been classified as a Variant of Uncertain Significance. Algorithms developed to predict the effect of missense changes on protein structure and function are either unavailable or do not agree on the potential impact of this missense change (SIFT: "Deleterious"; PolyPhen-2: "Probably Damaging"; Align-GVGD: "Class C15"). This variant has not been reported in the literature in individuals with SZT2-related conditions. This variant is not present in population databases (ExAC no frequency). This sequence change replaces phenylalanine with leucine at codon 1699 of the SZT2 protein (p.Phe1699Leu). The phenylalanine residue is highly conserved and there is a small physicochemical difference between phenylalanine and leucine.